The following is an entry in ClinVar:

ClinVar aggregate classification (germline): Uncertain significance (1 of 4 stars; one submission).

gnomAD v4.1: 11 of 1,601,854 alleles (0.00069%); highest among the groups gnomAD compares: Non-Finnish European, 0.00094%; no homozygotes.

Submission:

Labcorp Genetics (formerly Invitae), Labcorp
Classification: Uncertain significance. Last evaluated: 2023-10-17. Review status: criteria provided, single submitter. Criteria: Invitae Variant Classification Sherloc (09022015). Collection method: clinical testing. Allele origin: germline.
Comment: This sequence change replaces glutamine, which is neutral and polar, with glutamic acid, which is acidic and polar, at codon 237 of the ZNF687 protein (p.Gln237Glu). This variant is present in population databases (no rsID available, gnomAD 0.0009%). This variant has not been reported in the literature in individuals affected with ZNF687-related conditions. An algorithm developed to predict the effect of missense changes on protein structure and function (PolyPhen-2) suggests that this variant is likely to be tolerated. In summary, the available evidence is currently insufficient to determine the role of this variant in disease. Therefore, it has been classified as a Variant of Uncertain Significance.

NM_020832.3(ZNF687):c.709C>G (p.Gln237Glu)

Gene: ZNF687 (zinc finger protein 687; plus strand). Cytogenetic location: 1q21.3.
Variant type: single nucleotide variant.
Coding change: c.709C>G on transcript NM_020832.3 (MANE Select); coding-DNA position 709, C replaced by G.
Protein change: p.Gln237Glu; replaces glutamine 237 with glutamic acid.
Molecular consequence: missense variant.
Genome position (GRCh38, 1-based): chr1:151,287,000, C>G. VCF-style: chr1-151287000-C-G. GRCh37 (hg19) VCF-style: chr1-151259476-C-G.
Other names: c.709C>G, p.Gln237Glu (NM_001304763.2, NM_001304764.2); short protein forms Q237E.
Identifiers: ClinVar variation 2769508 (VCV002769508.3), dbSNP rs765567857, ClinGen allele CA341931692.